The following is an entry in ClinVar:

NM_016203.4(PRKAG2):c.1349A>G (p.Asn450Ser)

Gene: PRKAG2 (protein kinase AMP-activated non-catalytic subunit gamma 2; minus strand). Cytogenetic location: 7q36.1.
Variant type: single nucleotide variant.
Coding change: c.1349A>G on transcript NM_016203.4 (MANE Select); coding-DNA position 1349, A replaced by G.
Protein change: p.Asn450Ser; replaces asparagine 450 with serine.
Molecular consequence: missense variant.
Genome position (GRCh38, 1-based): chr7:151,565,770, T>C on the plus strand (A>G on the coding strand, the complement: PRKAG2 is on the minus strand). VCF-style: chr7-151565770-T-C. GRCh37 (hg19) VCF-style: chr7-151262856-T-C.
Other names: c.1217A>G, p.Asn406Ser (NM_001040633.2, NM_001407024.1); c.974A>G, p.Asn325Ser (NM_001304527.2, NM_001407029.1); c.626A>G, p.Asn209Ser (NM_001304531.2, NM_001407034.1, NM_001407035.1 and 1 more transcripts); c.977A>G, p.Asn326Ser (NM_001363698.2, NM_001407028.1); c.1349A>G, p.Asn450Ser (NM_001407021.1); c.1346A>G, p.Asn449Ser (NM_001407022.1, NM_001407023.1); c.1214A>G, p.Asn405Ser (NM_001407026.1, NM_001407027.1); c.1061A>G, p.Asn354Ser (NM_001407030.1); and 6 more; short protein forms N229S, N325S, N326S, N209S, N225S, N353S, N354S, N449S.
Identifiers: ClinVar variation 1770543 (VCV001770543.2), dbSNP rs770394466, ClinGen allele CA054833.
Genomic context (GRCh38, chr7:151,565,770, plus strand): 5'-ACACACAAACCTGACTCATCCACAACAGGCAGAGCTGATATTCGTCTTTCCACAAATATG[T>C]TCAAGGCTTTGATGATGGGAGTGTCTGGATGTATGAAGGCAATGTTGTGGTACGTTCCTA-3'
Protein context (NP_057287.2, residues 440-460): HPDTPIIKAL[Asn450Ser]IFVERRISAL

ClinVar aggregate classification (germline): Uncertain significance (1 of 4 stars; one submission).

Conditions:
Cardiovascular phenotype. Identifiers: MedGen CN230736.

Allele frequency attached by ClinVar (database versions not stated): ExAC 0.00002; gnomAD exomes 0.00002.
gnomAD v4.1: 9 of 1,613,842 alleles (0.00056%); highest among the groups gnomAD compares: South Asian, 0.0099%; no homozygotes.

Submission:

Ambry Genetics
Classification: Uncertain significance for Cardiovascular phenotype. Last evaluated: 2019-08-11. Review status: criteria provided, single submitter. Criteria: Ambry Variant Classification Scheme 2023. Collection method: clinical testing. Allele origin: germline.
Comment: The p.N450S variant (also known as c.1349A>G), located in coding exon 12 of the PRKAG2 gene, results from an A to G substitution at nucleotide position 1349. The asparagine at codon 450 is replaced by serine, an amino acid with highly similar properties. This amino acid position is well conserved in available vertebrate species; however, p.S450 is the reference amino acid in other vertebrate species. In addition, this alteration is predicted to be tolerated by in silico analysis. Since supporting evidence is limited at this time, the clinical significance of this alteration remains unclear.